The following is an entry in ClinVar:

ClinVar aggregate classification (germline): Uncertain significance (1 of 4 stars; one submission).

Submission:

Labcorp Genetics (formerly Invitae), Labcorp
Classification: Uncertain significance. Last evaluated: 2022-07-19. Review status: criteria provided, single submitter. Criteria: Invitae Variant Classification Sherloc (09022015). Collection method: clinical testing. Allele origin: germline.
Comment: In summary, the available evidence is currently insufficient to determine the role of this variant in disease. Therefore, it has been classified as a Variant of Uncertain Significance. Algorithms developed to predict the effect of missense changes on protein structure and function (SIFT, PolyPhen-2, Align-GVGD) all suggest that this variant is likely to be tolerated. ClinVar contains an entry for this variant (Variation ID: 1386339). This variant has not been reported in the literature in individuals affected with VCAN-related conditions. This variant is not present in population databases (gnomAD no frequency). This sequence change replaces methionine, which is neutral and non-polar, with valine, which is neutral and non-polar, at codon 1368 of the VCAN protein (p.Met1368Val).

NM_004385.5(VCAN):c.4102A>G (p.Met1368Val)

Genes: VCAN (versican; plus strand), VCAN-AS1 (VCAN antisense RNA 1; minus strand). Cytogenetic location: 5q14.3.
Variant type: single nucleotide variant.
Coding change: c.4102A>G on transcript NM_004385.5 (MANE Select); coding-DNA position 4102, A replaced by G.
Protein change: p.Met1368Val; replaces methionine 1368 with valine.
Molecular consequence: missense variant. On other transcripts: intron variant (2).
Genome position (GRCh38, 1-based): chr5:83,537,105, A>G. VCF-style: chr5-83537105-A-G. GRCh37 (hg19) VCF-style: chr5-82832924-A-G.
Other names: c.1141A>G, p.Met381Val (NM_001164097.2); c.4004-8432A>G (NM_001164098.2); c.1043-8432A>G (NM_001126336.3); short protein forms M381V, M1368V.
Identifiers: ClinVar variation 1386339 (VCV001386339.8), dbSNP rs2112439230, ClinGen allele CA360307504.